The following is an entry in ClinVar:

NM_000414.4(HSD17B4):c.643C>T (p.Pro215Ser)

Gene: HSD17B4 (hydroxysteroid 17-beta dehydrogenase 4; plus strand). Cytogenetic location: 5q23.1.
Variant type: single nucleotide variant.
Coding change: c.643C>T on transcript NM_000414.4 (MANE Select); coding-DNA position 643, C replaced by T.
Protein change: p.Pro215Ser; replaces proline 215 with serine.
Molecular consequence: missense variant.
Genome position (GRCh38, 1-based): chr5:119,489,212, C>T. VCF-style: chr5-119489212-C-T. GRCh37 (hg19) VCF-style: chr5-118824907-C-T.
Other names: c.718C>T, p.Pro240Ser (NM_001199291.3); c.589C>T, p.Pro197Ser (NM_001199292.2); c.571C>T, p.Pro191Ser (NM_001292027.2); c.223C>T, p.Pro75Ser (NM_001292028.2); short protein forms P215S, P240S, P197S, P191S, P75S.
Identifiers: ClinVar variation 228743 (VCV000228743.5), dbSNP rs552078818, ClinGen allele CA3381920.
Genomic context (GRCh38, chr5:119,489,212, plus strand): 5'-TAAAATGATTGATAAGATATGTGTATATTCTTTATTTCAGATCTTGTGGAAGCCCTGAAG[C>T]CAGAGTATGTGGCACCTCTTGTCCTTTGGCTTTGTCACGAGAGTTGTGAGGAGAATGGTG-3'
Protein context (NP_000405.1, residues 205-225): MPEDLVEALK[Pro215Ser]EYVAPLVLWL

ClinVar aggregate classification (germline): Uncertain significance. Review status: criteria provided, single submitter (1 of 4 stars). 2 submissions from 2 submitters: Uncertain significance (1). 1 of the submissions does not count toward it. Last evaluated 2015-05-28.

Conditions:
Bifunctional peroxisomal enzyme deficiency (DBIF). Also called: DBP DEFICIENCY; PBFE DEFICIENCY; D-bifunctional protein deficiency. Identifiers: Orphanet 300, MedGen C0342870, MONDO:0009855, OMIM 261515. Disease mechanism: loss of function.

Allele frequency attached by ClinVar (database versions not stated): 1000 Genomes Project 0.00020; 1000 Genomes Project 30x 0.00016; gnomAD 0.00001 and below 0.00001; ExAC 0.00002; gnomAD exomes 0.00003.

Submissions (2):

Laboratory for Molecular Medicine, Mass General Brigham Personalized Medicine
Classification: Uncertain significance. Last evaluated: 2015-05-28. Review status: criteria provided, single submitter. Criteria: LMM Criteria. Collection method: clinical testing. Allele origin: germline. Observed: 1 variant allele.
Comment: The p.Pro240Ser variant in HSD17B4 has not been previously reported in individua ls with hearing loss, but has been identified in 3/16508 South Asian chromosomes by the Exome Aggregation Consortium (ExAC; dbSN P rs552078818). Although this variant has been seen in the general population, i ts frequency is not high enough to rule out a pathogenic role. Computational pre diction tools and conservation analysis do not provide strong support for or aga inst an impact to the protein. In summary, the clinical significance of the p.Pr o240Ser variant is uncertain.

Natera, Inc.
Classification: Uncertain significance for Bifunctional peroxisomal enzyme deficiency. Last evaluated: 2019-10-28. Review status: no assertion criteria provided. Collection method: clinical testing. Allele origin: germline. Not counted in ClinVar's aggregate classification.